The following is an entry in ClinVar:

ClinVar aggregate classification (germline): Uncertain significance. Review status: criteria provided, multiple submitters, no conflicts (2 of 4 stars). 2 submissions from 2 submitters: Uncertain significance (2). Last evaluated 2024-06-30.

gnomAD v4.1: 5 of 1,613,520 alleles (0.00031%); highest among the groups gnomAD compares: East Asian, 0.0022%; no homozygotes.

Submissions (2):

Labcorp Genetics (formerly Invitae), Labcorp
Classification: Uncertain significance. Last evaluated: 2024-06-30. Review status: criteria provided, single submitter. Criteria: Invitae Variant Classification Sherloc (09022015). Collection method: clinical testing. Allele origin: germline.
Comment: This sequence change replaces valine, which is neutral and non-polar, with methionine, which is neutral and non-polar, at codon 232 of the ACO2 protein (p.Val232Met). This variant is present in population databases (no rsID available, gnomAD 0.0009%). This variant has not been reported in the literature in individuals affected with ACO2-related conditions. Advanced modeling of protein sequence and biophysical properties (such as structural, functional, and spatial information, amino acid conservation, physicochemical variation, residue mobility, and thermodynamic stability) performed at Invitae indicates that this missense variant is expected to disrupt ACO2 protein function with a positive predictive value of 80%. In summary, the available evidence is currently insufficient to determine the role of this variant in disease. Therefore, it has been classified as a Variant of Uncertain Significance.

Blueprint Genetics
Classification: Uncertain significance. Last evaluated: 2020-12-10. Review status: criteria provided, single submitter. Criteria: ACMG Guidelines, 2015. Collection method: clinical testing. Allele origin: germline.

NM_001098.3(ACO2):c.694G>A (p.Val232Met)

Gene: ACO2 (aconitase 2; plus strand). Cytogenetic location: 22q13.2.
Variant type: single nucleotide variant.
Coding change: c.694G>A on transcript NM_001098.3 (MANE Select); coding-DNA position 694, G replaced by A.
Protein change: p.Val232Met; replaces valine 232 with methionine.
Molecular consequence: missense variant.
Genome position (GRCh38, 1-based): chr22:41,515,776, G>A. VCF-style: chr22-41515776-G-A. GRCh37 (hg19) VCF-style: chr22-41911780-G-A.
Other names: short protein forms V232M.
Identifiers: ClinVar variation 3618308 (VCV003618308.3).